The following is an entry in ClinVar:

ClinVar aggregate classification (germline): Likely benign. Review status: criteria provided, multiple submitters, no conflicts (2 of 4 stars). 6 submissions from 6 submitters: Likely benign (5). 1 of the submissions does not count toward it. Last evaluated 2026-01-28.

Conditions:
UNC80-related disorder. Also called: UNC80-related condition.
Hypotonia, infantile, with psychomotor retardation and characteristic facies 2 (IHPRF2). Also called: UNC80 Deficiency. Identifiers: Orphanet 371364, Orphanet 700333, MedGen C4225203, MONDO:0014777, OMIM 616801.

Allele frequency attached by ClinVar (database versions not stated): 1000 Genomes Project 30x 0.00031; ExAC 0.00074; gnomAD 0.00086; TOPMed 0.00111; ESP Exome Variant Server 0.00197.
gnomAD v4.1: 2,602 of 1,551,124 alleles (0.17%); highest among the groups gnomAD compares: Non-Finnish European, 0.21%; 1 homozygote.

Submissions (6):

Labcorp Genetics (formerly Invitae), Labcorp
Classification: Likely benign. Last evaluated: 2026-01-28. Review status: criteria provided, single submitter. Criteria: Invitae Variant Classification Sherloc (09022015). Collection method: clinical testing. Allele origin: germline.

Blueprint Genetics
Classification: Likely benign. Last evaluated: 2024-11-25. Review status: criteria provided, single submitter. Criteria: ACMG Guidelines, 2015. Collection method: clinical testing. Allele origin: germline.

CeGaT Center for Human Genetics Tuebingen
Classification: Likely benign. Last evaluated: 2023-11-01. Review status: criteria provided, single submitter. Criteria: CeGaT Center For Human Genetics Tuebingen Variant Classification Criteria Version 2. Collection method: clinical testing. Allele origin: germline. Affected: yes. Observed: 2 variant alleles.
Comment: UNC80: BP4, BP7

Fulgent Genetics
Classification: Likely benign for Hypotonia, infantile, with psychomotor retardation and characteristic facies 2. Last evaluated: 2021-11-05. Review status: criteria provided, single submitter. Criteria: ACMG Guidelines, 2015. Collection method: clinical testing. Allele origin: unknown.

Breakthrough Genomics
Classification: Likely benign. Review status: criteria provided, single submitter. Criteria: ACMG Guidelines, 2015. Collection method: not provided. Allele origin: germline. Inheritance: Autosomal recessive inheritance. Affected: yes.

PreventionGenetics, part of Exact Sciences
Classification: Likely benign for UNC80-related condition. Last evaluated: 2020-01-07. Review status: no assertion criteria provided. Collection method: clinical testing. Allele origin: germline. Not counted in ClinVar's aggregate classification.
Comment: This variant is classified as likely benign based on ACMG/AMP sequence variant interpretation guidelines (Richards et al. 2015 PMID: 25741868, with internal and published modifications).

NM_001371986.1(UNC80):c.2616G>A (p.Pro872=)

Gene: UNC80 (unc-80 subunit of NALCN channel complex; plus strand). Cytogenetic location: 2q34.
Variant type: single nucleotide variant.
Coding change: c.2616G>A on transcript NM_001371986.1 (MANE Select); coding-DNA position 2616, G replaced by A.
Protein change: p.Pro872=; no amino-acid change (proline 872 retained).
Molecular consequence: synonymous variant.
Genome position (GRCh38, 1-based): chr2:209,829,369, G>A. VCF-style: chr2-209829369-G-A. GRCh37 (hg19) VCF-style: chr2-210694093-G-A.
Other names: c.2616G>A, p.Pro872= (NM_032504.2); c.2601G>A, p.Pro867= (NM_182587.4).
Identifiers: ClinVar variation 708763 (VCV000708763.38), dbSNP rs200238702, ClinGen allele CA2083036.